The following is an entry in ClinVar:

NM_001079802.2(FKTN):c.10A>C (p.Ile4Leu)

Gene: FKTN (fukutin; plus strand). Cytogenetic location: 9q31.2.
Variant type: single nucleotide variant.
Coding change: c.10A>C on transcript NM_001079802.2 (MANE Select); coding-DNA position 10, A replaced by C.
Protein change: p.Ile4Leu; replaces isoleucine 4 with leucine.
Molecular consequence: missense variant. On other transcripts: 5 prime UTR variant (5), non-coding transcript variant (2).
Genome position (GRCh38, 1-based): chr9:105,575,042, A>C. VCF-style: chr9-105575042-A-C. GRCh37 (hg19) VCF-style: chr9-108337323-A-C.
Other names: c.10A>C, p.Ile4Leu (NM_001198963.2, NM_001351496.2, NM_001351498.2 and 1 more transcripts); c.-158A>C (NM_001351497.2); c.-505A>C (NM_001351499.2, NM_001351500.2, NM_001351501.2 and 1 more transcripts); short protein forms I4L.
Identifiers: ClinVar variation 528814 (VCV000528814.10), dbSNP rs757900916, ClinGen allele CA374330798.

ClinVar aggregate classification (germline): Uncertain significance (1 of 4 stars; one submission).

Conditions:
Walker-Warburg congenital muscular dystrophy. Also called: Muscular dystrophy-dystroglycanopathy, type A; Walker-Warburg syndrome. Identifiers: Orphanet 899, MedGen C0265221, MONDO:0000171.

Submission:

Labcorp Genetics (formerly Invitae), Labcorp
Classification: Uncertain significance for Walker-Warburg congenital muscular dystrophy. Last evaluated: 2022-04-25. Review status: criteria provided, single submitter. Criteria: Invitae Variant Classification Sherloc (09022015). Collection method: clinical testing. Allele origin: germline.
Comment: ClinVar contains an entry for this variant (Variation ID: 528814). This variant has not been reported in the literature in individuals affected with FKTN-related conditions. This variant is not present in population databases (gnomAD no frequency). This sequence change replaces isoleucine, which is neutral and non-polar, with leucine, which is neutral and non-polar, at codon 4 of the FKTN protein (p.Ile4Leu). Algorithms developed to predict the effect of missense changes on protein structure and function (SIFT, PolyPhen-2, Align-GVGD) all suggest that this variant is likely to be tolerated. In summary, the available evidence is currently insufficient to determine the role of this variant in disease. Therefore, it has been classified as a Variant of Uncertain Significance.